The following is an entry in ClinVar:

ClinVar aggregate classification (germline): Likely pathogenic. Review status: criteria provided, multiple submitters, no conflicts (2 of 4 stars). 2 submissions from 2 submitters: Likely pathogenic (2). Last evaluated 2024-05-20.

Conditions:
Thyroid dyshormonogenesis 6 (TDH6). Also called: Genetic transient congenital hypothyroidism; THYROID HORMONOGENESIS, GENETIC DEFECT IN, 6; HYPOTHYROIDISM, CONGENITAL, DUE TO DYSHORMONOGENESIS, 6. Identifiers: Orphanet 226316, Orphanet 95716, MedGen C1846632, MONDO:0011792, OMIM 607200.

Allele frequency attached by ClinVar (database versions not stated): TOPMed below 0.00001; gnomAD exomes 0.00003.
gnomAD v4.1: 46 of 1,596,596 alleles (0.0029%); highest among the groups gnomAD compares: Non-Finnish European, 0.0039%; no homozygotes.

Submissions (2):

Fulgent Genetics
Classification: Likely pathogenic for Thyroid dyshormonogenesis 6. Last evaluated: 2024-05-20. Review status: criteria provided, single submitter. Criteria: ACMG Guidelines, 2015. Collection method: clinical testing. Allele origin: germline.

Labcorp Genetics (formerly Invitae), Labcorp
Classification: Likely pathogenic. Last evaluated: 2023-03-08. Review status: criteria provided, single submitter. Criteria: Invitae Variant Classification Sherloc (09022015). Collection method: clinical testing. Allele origin: germline.
Comment: In summary, the currently available evidence indicates that the variant is pathogenic, but additional data are needed to prove that conclusively. Therefore, this variant has been classified as Likely Pathogenic. Algorithms developed to predict the effect of sequence changes on RNA splicing suggest that this variant may disrupt the consensus splice site. This variant has not been reported in the literature in individuals affected with DUOX2-related conditions. This variant is not present in population databases (gnomAD no frequency). This sequence change affects a donor splice site in intron 15 of the DUOX2 gene. It is expected to disrupt RNA splicing. Variants that disrupt the donor or acceptor splice site typically lead to a loss of protein function (PMID: 16199547), and loss-of-function variants in DUOX2 are known to be pathogenic (PMID: 12110737, 18765513, 21565790, 24423310, 24735383).

Literature cited by the submitters: PubMed 16199547 (cited by Labcorp Genetics (formerly Invitae), Labcorp); PubMed 12110737 (cited by Labcorp Genetics (formerly Invitae), Labcorp); PubMed 18765513 (cited by Labcorp Genetics (formerly Invitae), Labcorp); PubMed 21565790 (cited by Labcorp Genetics (formerly Invitae), Labcorp); PubMed 24423310 (cited by Labcorp Genetics (formerly Invitae), Labcorp); PubMed 24735383 (cited by Labcorp Genetics (formerly Invitae), Labcorp).

NM_001363711.2(DUOX2):c.1831+2T>G

Gene: DUOX2 (dual oxidase 2; minus strand). Cytogenetic location: 15q21.1.
Variant type: single nucleotide variant.
Coding change: c.1831+2T>G on transcript NM_001363711.2 (MANE Select); the canonical splice donor site of the intron after coding-DNA position 1831, T replaced by G.
Molecular consequence: splice donor variant.
Genome position (GRCh38, 1-based): chr15:45,106,830, A>C on the plus strand (T>G on the coding strand, the complement: DUOX2 is on the minus strand). VCF-style: chr15-45106830-A-C. GRCh37 (hg19) VCF-style: chr15-45399028-A-C.
Other names: c.1831+2T>G (NM_014080.5, NM_014080.4).
Identifiers: ClinVar variation 3011134 (VCV003011134.4), dbSNP rs1328924162, ClinGen allele CA392274168.
Genomic context (GRCh38, chr15:45,106,830, plus strand): 5'-CCTCAGGCCAGCAGGAAATGAGGGGCAGGGCCAGTCTGCAGAGAGGCTGCCTAAGAGCTC[A>C]CCTAAGGGAAGGCAGCAGAGAGCAATGATGGTGATGGCAAAACCAGGGCTGCTGCCTTCA-3'